The following is an entry in ClinVar:

ClinVar aggregate classification (germline): Uncertain significance (1 of 4 stars; one submission).

gnomAD v4.1: 3 of 1,204,445 alleles (0.00025%); highest among the groups gnomAD compares: Non-Finnish European, 0.00034%; no homozygotes.

Submission:

Labcorp Genetics (formerly Invitae), Labcorp
Classification: Uncertain significance. Last evaluated: 2021-03-08. Review status: criteria provided, single submitter. Criteria: Invitae Variant Classification Sherloc (09022015). Collection method: clinical testing. Allele origin: germline.
Comment: In summary, the available evidence is currently insufficient to determine the role of this variant in disease. Therefore, it has been classified as a Variant of Uncertain Significance. Algorithms developed to predict the effect of missense changes on protein structure and function (SIFT, PolyPhen-2, Align-GVGD) all suggest that this variant is likely to be tolerated, but these predictions have not been confirmed by published functional studies and their clinical significance is uncertain. This variant has not been reported in the literature in individuals with STAG2-related conditions. This variant is not present in population databases (ExAC no frequency). This sequence change replaces alanine with glycine at codon 582 of the STAG2 protein (p.Ala582Gly). The alanine residue is moderately conserved and there is a small physicochemical difference between alanine and glycine.

NM_001042750.2(STAG2):c.1745C>G (p.Ala582Gly)

Gene: STAG2 (STAG2 cohesin complex component; plus strand). Cytogenetic location: Xq25.
Variant type: single nucleotide variant.
Coding change: c.1745C>G on transcript NM_001042750.2 (MANE Select); coding-DNA position 1745, C replaced by G.
Protein change: p.Ala582Gly; replaces alanine 582 with glycine.
Molecular consequence: missense variant.
Genome position (GRCh38, 1-based): chrX:124,063,129, C>G. VCF-style: chrX-124063129-C-G. GRCh37 (hg19) VCF-style: chrX-123196979-C-G.
Other names: c.1745C>G, p.Ala582Gly (NM_001042749.2, NM_001042751.2, NM_001282418.2 and 13 more transcripts); short protein forms A582G.
Identifiers: ClinVar variation 1514982 (VCV001514982.8), dbSNP rs2148320971, ClinGen allele CA414272014.